The following is an entry in ClinVar:

NM_001042492.3(NF1):c.1740C>G (p.Tyr580Ter)

Gene: NF1 (neurofibromin 1; plus strand). Cytogenetic location: 17q11.2.
Variant type: single nucleotide variant.
Coding change: c.1740C>G on transcript NM_001042492.3 (MANE Select); coding-DNA position 1740, C replaced by G.
Protein change: p.Tyr580Ter; replaces tyrosine 580 with a stop codon.
Molecular consequence: nonsense.
Genome position (GRCh38, 1-based): chr17:31,223,462, C>G. VCF-style: chr17-31223462-C-G. GRCh37 (hg19) VCF-style: chr17-29550480-C-G.
Other names: c.1740C>G, p.Tyr580Ter (NM_000267.4); short protein forms Y580*.
Identifiers: ClinVar variation 1071492 (VCV001071492.6), dbSNP rs786202554, ClinGen allele CA399004054.

ClinVar aggregate classification (germline): Pathogenic. Review status: criteria provided, multiple submitters, no conflicts (2 of 4 stars). 2 submissions from 2 submitters: Pathogenic (2). Last evaluated 2026-02-02.

Conditions:
Neurofibromatosis, type 1 (NF1). Also called: VON RECKLINGHAUSEN DISEASE; Peripheral type neurofibromatosis; NEUROFIBROMATOSIS, TYPE I, SOMATIC; Neurofibromatosis, type I. Identifiers: Orphanet 636, MedGen C0027831, MONDO:0018975, OMIM 162200. Disease mechanism: loss of function.
Hereditary cancer-predisposing syndrome. Also called: Tumor predisposition; Neoplastic Syndromes, Hereditary; Hereditary neoplastic syndrome; Hereditary Cancer Syndrome. Identifiers: Orphanet 140162, MedGen C0027672, MeSH D009386, MONDO:0015356.
Cardiovascular phenotype. Identifiers: MedGen CN230736.

Submissions (2):

Labcorp Genetics (formerly Invitae), Labcorp
Classification: Pathogenic for Neurofibromatosis, type 1. Last evaluated: 2026-02-02. Review status: criteria provided, single submitter. Criteria: Invitae Variant Classification Sherloc (09022015). Collection method: clinical testing. Allele origin: germline.
Comment: This sequence change creates a premature translational stop signal (p.Tyr580*) in the NF1 gene. It is expected to result in an absent or disrupted protein product. Loss-of-function variants in NF1 are known to be pathogenic (PMID: 10712197, 23913538). This variant is not present in population databases (gnomAD no frequency). This variant has not been reported in the literature in individuals affected with NF1-related conditions. ClinVar contains an entry for this variant (Variation ID: 1071492). Algorithms developed to predict the effect of sequence changes on RNA splicing suggest that this variant may create or strengthen a splice site. For these reasons, this variant has been classified as Pathogenic.

Ambry Genetics
Classification: Pathogenic for Cardiovascular phenotype; Hereditary cancer-predisposing syndrome. Last evaluated: 2025-05-30. Review status: criteria provided, single submitter. Criteria: Ambry Variant Classification Scheme 2023. Collection method: clinical testing. Allele origin: germline.
Comment: The p.Y580* pathogenic mutation (also known as c.1740C>G), located in coding exon 16 of the NF1 gene, results from a C to G substitution at nucleotide position 1740. This changes the amino acid from a tyrosine to a stop codon within coding exon 16. This variant is considered to be rare based on population cohorts in the Genome Aggregation Database (gnomAD). This alteration is expected to result in loss of function by premature protein truncation or nonsense-mediated mRNA decay. As such, this alteration is interpreted as a disease-causing mutation.

Literature cited by the submitters: PubMed 10712197 (cited by Labcorp Genetics (formerly Invitae), Labcorp); PubMed 23913538 (cited by Labcorp Genetics (formerly Invitae), Labcorp).